The following is an entry in ClinVar:

NM_017617.5(NOTCH1):c.1145A>G (p.Asn382Ser)

Gene: NOTCH1 (notch receptor 1; minus strand). Cytogenetic location: 9q34.3.
Variant type: single nucleotide variant.
Coding change: c.1145A>G on transcript NM_017617.5 (MANE Select); coding-DNA position 1145, A replaced by G.
Protein change: p.Asn382Ser; replaces asparagine 382 with serine.
Molecular consequence: missense variant.
Genome position (GRCh38, 1-based): chr9:136,518,247, T>C on the plus strand (A>G on the coding strand, the complement: NOTCH1 is on the minus strand). VCF-style: chr9-136518247-T-C. GRCh37 (hg19) VCF-style: chr9-139412699-T-C.
Other names: c.1145A>G (NM_017617.3); short protein forms N382S.
Identifiers: ClinVar variation 3635974 (VCV003635974.3).

ClinVar aggregate classification (germline): Uncertain significance. Review status: criteria provided, multiple submitters, no conflicts (2 of 4 stars). 2 submissions from 2 submitters: Uncertain significance (2). Last evaluated 2025-05-08.

Conditions:
Adams-Oliver syndrome 5 (AOS5). Identifiers: Orphanet 974, MedGen C4014970, MONDO:0014459, OMIM 616028.
Familial thoracic aortic aneurysm and aortic dissection (TAAD). Also called: Thoracic aortic aneurysms and dissections. Identifiers: Orphanet 91387, MedGen C4707243, MONDO:0019625.

Submissions (2):

Ambry Genetics
Classification: Uncertain significance for Familial thoracic aortic aneurysm and aortic dissection. Last evaluated: 2025-05-08. Review status: criteria provided, single submitter. Criteria: Ambry Variant Classification Scheme 2023. Collection method: clinical testing. Allele origin: germline.
Comment: The p.N382S variant (also known as c.1145A>G), located in coding exon 7 of the NOTCH1 gene, results from an A to G substitution at nucleotide position 1145. The asparagine at codon 382 is replaced by serine, an amino acid with highly similar properties. This amino acid position is conserved. In addition, this alteration is predicted to be tolerated by in silico analysis. Based on the available evidence, the clinical significance of this variant remains unclear.

Labcorp Genetics (formerly Invitae), Labcorp
Classification: Uncertain significance for Adams-Oliver syndrome 5. Last evaluated: 2024-07-29. Review status: criteria provided, single submitter. Criteria: Invitae Variant Classification Sherloc (09022015). Collection method: clinical testing. Allele origin: germline.
Comment: This sequence change replaces asparagine, which is neutral and polar, with serine, which is neutral and polar, at codon 382 of the NOTCH1 protein (p.Asn382Ser). This variant is not present in population databases (gnomAD no frequency). This variant has not been reported in the literature in individuals affected with NOTCH1-related conditions. Advanced modeling of protein sequence and biophysical properties (such as structural, functional, and spatial information, amino acid conservation, physicochemical variation, residue mobility, and thermodynamic stability) performed at Invitae indicates that this missense variant is not expected to disrupt NOTCH1 protein function with a negative predictive value of 95%. In summary, the available evidence is currently insufficient to determine the role of this variant in disease. Therefore, it has been classified as a Variant of Uncertain Significance.